The following is an entry in ClinVar:

ClinVar aggregate classification (germline): Uncertain significance (1 of 4 stars; one submission).

gnomAD v4.1: 1 of 1,211,166 alleles (0.000083%); highest among the groups gnomAD compares: Admixed American, 0.0022%; no homozygotes.

Submission:

Dasa
Classification: Uncertain significance. Last evaluated: 2026-01-19. Review status: criteria provided, single submitter. Criteria: DASA Assertion Criteria. Collection method: clinical testing. Allele origin: germline.
Comment: NM_001363.5(DKC1):c.397A>G (p.Ile133Val) is a missense variant that results in the substitution of isoleucine with valine. This variant is rare in population databases. The currently available literature and clinical evidence are not sufficient to establish a definitive association between this variant and the reported condition. Therefore, this variant is classified as a variant of uncertain significance.

NM_001363.5(DKC1):c.397A>G (p.Ile133Val)

Gene: DKC1 (dyskerin pseudouridine synthase 1; plus strand). Cytogenetic location: Xq28.
Variant type: single nucleotide variant.
Coding change: c.397A>G on transcript NM_001363.5 (MANE Select); coding-DNA position 397, A replaced by G.
Protein change: p.Ile133Val; replaces isoleucine 133 with valine.
Molecular consequence: missense variant. On other transcripts: non-coding transcript variant (3).
Genome position (GRCh38, 1-based): chrX:154,766,349, A>G. VCF-style: chrX-154766349-A-G. GRCh37 (hg19) VCF-style: chrX-153994624-A-G.
Other names: c.397A>G, p.Ile133Val (NM_001142463.3, NM_001288747.2); short protein forms I133V.
Identifiers: ClinVar variation 4885484 (VCV004885484.2).
Genomic context (GRCh38, chrX:154,766,349, plus strand): 5'-CTTCGGGTGGAGAAGACAGGGCACAGTGGTACGCTGGATCCCAAGGTGACTGGTTGTTTA[A>G]TCGTGTGCATAGAACGAGCCACTCGCTTGGTGAAGTCACAACAGAGTGCAGGTATGTGGG-3'
Protein context (NP_001354.1, residues 123-143): TLDPKVTGCL[Ile133Val]VCIERATRLV